The following is an entry in ClinVar:

NM_001374828.1(ARID1B):c.6501C>G (p.Ile2167Met)

Gene: ARID1B (AT-rich interaction domain 1B; plus strand). Cytogenetic location: 6q25.3.
Variant type: single nucleotide variant.
Coding change: c.6501C>G on transcript NM_001374828.1 (MANE Select); coding-DNA position 6501, C replaced by G.
Protein change: p.Ile2167Met; replaces isoleucine 2167 with methionine.
Molecular consequence: missense variant.
Genome position (GRCh38, 1-based): chr6:157,207,273, C>G. VCF-style: chr6-157207273-C-G. GRCh37 (hg19) VCF-style: chr6-157528407-C-G.
Other names: c.6252C>G, p.Ile2084Met (NM_001346813.1); c.4002C>G, p.Ile1334Met (NM_001363725.2); c.6381C>G, p.Ile2127Met (NM_001371656.1, NM_001374820.1); c.6342C>G, p.Ile2114Met (NM_017519.3); c.6132C>G, p.Ile2044Met (NM_020732.3); c.5919C>G, p.Ile1973Met (NM_175863.2); short protein forms I2114M, I2167M, I1334M, I2084M, I1973M, I2044M, I2127M.
Identifiers: ClinVar variation 2145675 (VCV002145675.5), dbSNP rs768415267, ClinGen allele CA4068034.

ClinVar aggregate classification (germline): Uncertain significance. Review status: criteria provided, multiple submitters, no conflicts (2 of 4 stars). 2 submissions from 2 submitters: Uncertain significance (2). Last evaluated 2024-04-18.

Conditions:
Inborn genetic diseases. Identifiers: MedGen C0950123, MeSH D030342.

Allele frequency attached by ClinVar (database versions not stated): ExAC 0.00001; gnomAD 0.00001.
gnomAD v4.1: 4 of 1,614,048 alleles (0.00025%); highest among the groups gnomAD compares: Admixed American, 0.0067%; no homozygotes.

Submissions (2):

Labcorp Genetics (formerly Invitae), Labcorp
Classification: Uncertain significance. Last evaluated: 2024-04-18. Review status: criteria provided, single submitter. Criteria: Invitae Variant Classification Sherloc (09022015). Collection method: clinical testing. Allele origin: germline.
Comment: This sequence change replaces isoleucine, which is neutral and non-polar, with methionine, which is neutral and non-polar, at codon 2044 of the ARID1B protein (p.Ile2044Met). This variant is present in population databases (rs768415267, gnomAD 0.003%). This variant has not been reported in the literature in individuals affected with ARID1B-related conditions. ClinVar contains an entry for this variant (Variation ID: 2145675). Advanced modeling of protein sequence and biophysical properties (such as structural, functional, and spatial information, amino acid conservation, physicochemical variation, residue mobility, and thermodynamic stability) has been performed at Invitae for this missense variant, however the output from this modeling did not meet the statistical confidence thresholds required to predict the impact of this variant on ARID1B protein function. In summary, the available evidence is currently insufficient to determine the role of this variant in disease. Therefore, it has been classified as a Variant of Uncertain Significance.

Ambry Genetics
Classification: Uncertain significance for Inborn genetic diseases. Last evaluated: 2022-08-19. Review status: criteria provided, single submitter. Criteria: Ambry Variant Classification Scheme 2023. Collection method: clinical testing. Allele origin: germline.